The following is an entry in ClinVar:

ClinVar aggregate classification (germline): Uncertain significance (1 of 4 stars; one submission).

Conditions:
Intellectual developmental disorder with seizures and language delay (IDDSELD). Identifiers: MedGen C5436574, MONDO:0033559, OMIM 619000.

Submission:

Neuberg Centre For Genomic Medicine, NCGM
Classification: Uncertain significance for Intellectual developmental disorder with seizures and language delay. Last evaluated: 2023-05-20. Review status: criteria provided, single submitter. Criteria: ACMG Guidelines, 2015. Collection method: clinical testing. Allele origin: germline. Inheritance: Autosomal dominant inheritance. Affected: yes.
Comment: The observed missense c.4936C>T(p.Pro1646Ser) variant in SETD1B gene has not been reported previously as a pathogenic variant nor a benign variant, to our knowledge. The p.Pro1646Ser variant is absent in gnomAD Exomes. This variant has not been submitted to the ClinVar database. Multiple lines of computational evidences (SIFT - Tolerated and MutationTaster - Polymorphism) predict no damaging effect on protein structure and function for this variant. The reference amino acid at this position on SETD1B gene is predicted as conserved by GERP++ and PhyloP across 100 vertebrates. The amino acid Pro at position 1646 is changed to a Ser changing protein sequence and it might alter its composition and physico-chemical properties. For these reasons, this variant has been classified as a Variant of Uncertain Significance (VUS).

NM_001353345.2(SETD1B):c.4936C>T (p.Pro1646Ser)

Gene: SETD1B (SET domain containing 1B, histone lysine methyltransferase; plus strand). Cytogenetic location: 12q24.31.
Variant type: single nucleotide variant.
Coding change: c.4936C>T on transcript NM_001353345.2 (MANE Select); coding-DNA position 4936, C replaced by T.
Protein change: p.Pro1646Ser; replaces proline 1646 with serine.
Molecular consequence: missense variant.
Genome position (GRCh38, 1-based): chr12:121,823,515, C>T. VCF-style: chr12-121823515-C-T. GRCh37 (hg19) VCF-style: chr12-122261421-C-T.
Other names: short protein forms P1646S.
Identifiers: ClinVar variation 3362351 (VCV003362351.3).